The following is an entry in ClinVar:

ClinVar aggregate classification (germline): Uncertain significance (1 of 4 stars; one submission).

Submission:

Labcorp Genetics (formerly Invitae), Labcorp
Classification: Uncertain significance. Last evaluated: 2022-06-05. Review status: criteria provided, single submitter. Criteria: Invitae Variant Classification Sherloc (09022015). Collection method: clinical testing. Allele origin: germline.
Comment: This variant has not been reported in the literature in individuals affected with ROM1-related conditions. In summary, the available evidence is currently insufficient to determine the role of this variant in disease. Therefore, it has been classified as a Variant of Uncertain Significance. ClinVar contains an entry for this variant (Variation ID: 1522554). This variant is not present in population databases (gnomAD no frequency). This sequence change creates a premature translational stop signal (p.His41Thrfs*6) in the ROM1 gene. It is expected to result in an absent or disrupted protein product. However, the current clinical and genetic evidence is not sufficient to establish whether loss-of-function variants in ROM1 cause disease.

NM_000327.4(ROM1):c.120del (p.His41fs)

Gene: ROM1 (retinal outer segment membrane protein 1; plus strand). Cytogenetic location: 11q12.3.
Variant type: Deletion.
Coding change: c.120del on transcript NM_000327.4 (MANE Select); coding-DNA position 120, one base deleted (G; older notation c.120delG).
Protein change: p.His41fs; shifts the reading frame from histidine 41.
Molecular consequence: frameshift variant.
Genome position (GRCh38, 1-based): chr11:62,613,401, G deleted; the last of 3 consecutive G bases (chr11:62,613,399-62,613,401); deleting any one gives the same sequence. VCF-style (leftmost placement, unchanged base first): chr11-62613398-TG-T. GRCh37 (hg19) VCF-style: chr11-62380870-TG-T.
Other names: short protein forms H41fs.
Identifiers: ClinVar variation 1522554 (VCV001522554.6), dbSNP rs2134420571, ClinGen allele CA2573147449.
Genomic context (GRCh38, chr11:62,613,398, plus strand): 5'-AGGGCTCTGGCTCCTCTCCTGGCTGCTGGCGCTGGCTGGTGGCGTCATCCTCCTCTGTAG[TG>T]GGCACCTCCTGGTCCAGCTAAGGCACCTTGGCACCTTCCTGGCTCCCTCCTGTCAGTTCC-3'